The following is an entry in ClinVar:

NM_000077.5(CDKN2A):c.95T>C (p.Leu32Pro)

Gene: CDKN2A (cyclin dependent kinase inhibitor 2A; minus strand). Cytogenetic location: 9p21.3.
Variant type: single nucleotide variant.
Coding change: c.95T>C on transcript NM_000077.5; coding-DNA position 95, T replaced by C.
Protein change: p.Leu32Pro; replaces leucine 32 with proline.
Molecular consequence: missense variant (on NM_000077.6). On other transcripts: intron variant (2).
Genome position (GRCh38, 1-based): chr9:21,974,733, A>G on the plus strand (T>C on the coding strand, the complement: CDKN2A is on the minus strand). VCF-style: chr9-21974733-A-G. GRCh37 (hg19) VCF-style: chr9-21974732-A-G.
Other names: c.95T>C, p.Leu32Pro (NM_000077.6, NM_001195132.2, NM_058197.5); c.-3-3525T>C (NM_001363763.2); c.194-3525T>C (NM_058195.4); short protein forms L32P.
Identifiers: ClinVar variation 236992 (VCV000236992.27), dbSNP rs878853650, ClinGen allele CA10582657.
Genomic context (GRCh38, chr9:21,974,733, plus strand): 5'-CCCACCTGGATCGGCCTCCGACCGTAACTATTCGGTGCGTTGGGCAGCGCCCCCGCCTCC[A>G]GCAGCGCCCGCACCTCCTCTACCCGACCCCGGGCCGCGGCCGTGGCCAGCCAGTCAGCCG-3'
Protein context (NP_000068.1, residues 22-42): RGRVEEVRAL[Leu32Pro]EAGALPNAPN

ClinVar aggregate classification (germline): Pathogenic/Likely pathogenic. Review status: criteria provided, multiple submitters, no conflicts (2 of 4 stars). 6 submissions from 6 submitters: Pathogenic (1); Likely pathogenic (5). Last evaluated 2025-08-14.

Conditions:
Familial melanoma. Also called: Hereditary melanoma; Hereditary cutaneous melanoma. Identifiers: Orphanet 618, MedGen C1512419, MONDO:0018961.
Melanoma-pancreatic cancer syndrome. Identifiers: Orphanet 404560, MedGen C1838547, MONDO:0011713, OMIM 606719. Disease mechanism: loss of function.
Hereditary cancer-predisposing syndrome. Also called: Tumor predisposition; Hereditary Cancer Syndrome; Neoplastic Syndromes, Hereditary; Hereditary neoplastic syndrome. Identifiers: Orphanet 140162, MedGen C0027672, MeSH D009386, MONDO:0015356.

Allele frequency attached by ClinVar (database versions not stated): gnomAD exomes 0.00001.
gnomAD v4.1: 6 of 1,612,328 alleles (0.00037%); highest among the groups gnomAD compares: Non-Finnish European, 0.00051%; no homozygotes.

Submissions (6):

Myriad Genetics, Inc.
Classification: Likely pathogenic for Melanoma-pancreatic cancer syndrome. Last evaluated: 2025-08-14. Review status: criteria provided, single submitter. Criteria: Myriad Autosomal Dominant, Autosomal Recessive and X-Linked Classification Criteria (2023). Collection method: clinical testing. Allele origin: unknown.
Comment: This variant is considered likely pathogenic. Functional studies indicate this variant impacts protein function [PMID: 20340136]. This variant has been reported in multiple individuals with clinical features of gene-specific disease [PMID: 8595405, 11500805, 12072543, 16905682].

CeGaT Center for Human Genetics Tuebingen
Classification: Likely pathogenic. Last evaluated: 2025-06-01. Review status: criteria provided, single submitter. Criteria: CeGaT Center For Human Genetics Tuebingen Variant Classification Criteria Version 2. Collection method: clinical testing. Allele origin: germline. Affected: yes. Observed: 1 variant allele.
Comment: CDKN2A: PP1:Strong, PM2, PS4:Moderate, PS3:Supporting

Molecular Pathology, Peter Maccallum Cancer Centre
Classification: Likely pathogenic for Melanoma-pancreatic cancer syndrome. Last evaluated: 2025-01-03. Review status: criteria provided, single submitter. Criteria: ACMG Guidelines, 2015. Collection method: clinical testing. Allele origin: germline. Inheritance: Autosomal dominant inheritance.

Ambry Genetics
Classification: Likely pathogenic for Hereditary cancer-predisposing syndrome. Last evaluated: 2024-05-27. Review status: criteria provided, single submitter. Criteria: Ambry Variant Classification Scheme 2023. Collection method: clinical testing. Allele origin: germline.
Comment: The p.L32P variant (also known as c.95T>C), located in coding exon 1 of the CDKN2A gene, results from a T to C substitution at nucleotide position 95. The leucine at codon 32 is replaced by proline, an amino acid with similar properties. This variant has been reported in numerous individuals with a personal and/or family history of cutaneous melanoma (Aitken J et al, J. Natl. Cancer Inst. 1999 Mar; 91(5):446-52; Box NF et al. Am J Hum Genet, 2001 Oct;69:765-73; Begg CB et al, J. Natl. Cancer Inst. 2005 Oct; 97(20):1507-15; Berwick M et al, Cancer Epidemiol. Biomarkers Prev. 2006 Aug; 15(8):1520-5; Bishop DT et al, J. Natl. Cancer Inst. 2002 Jun; 94(12):894-903; Goldstein AM et al, Cancer Res. 2006 Oct; 66(20):9818-28; Goldstein AM et al, J. Med. Genet. 2007 Feb; 44(2):99-10; Jovanovic B et al, J. Invest. Dermatol. 2010 Feb; 130(2):618-20; Orlow I et al, J. Invest. Dermatol. 2007 May; 127(5):1234-43; Jouenne F et al. J Med Genet, 2017 Sep;54:607-612; Taylor NJ et al. J Invest Dermatol, 2017 Dec;137:2606-2612). Further, a functional analysis of the p.L32P variant has demonstrated abolished CDK4 binding capability (McKenzie HA et al, Hum. Mutat. 2010 Jun; 31(6):692-701). This variant is considered to be rare based on population cohorts in the Genome Aggregation Database (gnomAD). This amino acid position is highly conserved in available vertebrate species. In addition, this alteration is predicted to be deleterious by in silico analysis. Based on the majority of available evidence to date, this variant is likely to be pathogenic.

Labcorp Genetics (formerly Invitae), Labcorp
Classification: Likely pathogenic for Familial melanoma. Last evaluated: 2021-03-10. Review status: criteria provided, single submitter. Criteria: Invitae Variant Classification Sherloc (09022015). Collection method: clinical testing. Allele origin: germline.
Comment: This sequence change replaces leucine with proline at codon 32 of the CDKN2A (p16INK4a) protein (p.Leu32Pro). The leucine residue is moderately conserved and there is a moderate physicochemical difference between leucine and proline. This variant is not present in population databases (ExAC no frequency). This variant has been reported in patients and families affected with melanoma and pancreatic cancer (PMID: 19759551, 17218939, 16905682, 20340136, 17047042, 28592523). It has been shown to segregate with disease in one family (PMID: 8595405). ClinVar contains an entry for this variant (Variation ID: 236992). Experimental studies have shown that this missense change interferes with the interaction between p16INK4a and its binding partners CDK4 and CDK6 (PMID: 20340136, 19712690). In summary, the currently available evidence indicates that the variant is pathogenic, but additional data are needed to prove that conclusively. Therefore, this variant has been classified as Likely Pathogenic

Women's Health and Genetics/Laboratory Corporation of America, LabCorp
Classification: Pathogenic for Hereditary cutaneous melanoma. Last evaluated: 2018-08-03. Review status: criteria provided, single submitter. Criteria: LabCorp Variant Classification Summary - May 2015. Collection method: clinical testing. Allele origin: germline.
Comment: Variant summary: CDKN2A c.95T>C (p.Leu32Pro) results in a non-conservative amino acid change located in the Ankyrin repeat-containing domain (IPR020683) of the encoded protein sequence. Five of five in-silico tools predict a damaging effect of the variant on protein function. The variant was absent in 239900 control chromosomes (gnomAD). The variant, c.95T>C, has been reported in the literature in individuals affected with Cutaneous Malignant Melanoma (Jouenne_2016, Jovanovic_2010, Box_2001, McKenzie_2010). These data indicate that the variant is very likely to be associated with disease. At least one publication reports experimental evidence evaluating an impact on protein function. The most pronounced variant effect results in <10% of normal activity (McKenzie_2010). Two clinical diagnostic laboratories have submitted clinical-significance assessments for this variant to ClinVar after 2014 without evidence for independent evaluation and classified the variant as likely pathogenic. Based on the evidence outlined above, the variant was classified as pathogenic.

Literature cited by the submitters: PubMed 20340136 (cited by 4 submitters); PubMed 8595405 (cited by 3 submitters); PubMed 11500805 (cited by 3 submitters); PubMed 12072543 (cited by Myriad Genetics, Inc. and Ambry Genetics); PubMed 16905682 (cited by 3 submitters); PubMed 10070944 (cited by Ambry Genetics); PubMed 11687599 (cited by Ambry Genetics); PubMed 15146471 (cited by Ambry Genetics); PubMed 16234564 (cited by Ambry Genetics); PubMed 16896043 (cited by Ambry Genetics); PubMed 17047042 (cited by Ambry Genetics and Labcorp Genetics (formerly Invitae), Labcorp); PubMed 17218939 (cited by Ambry Genetics and Labcorp Genetics (formerly Invitae), Labcorp); PubMed 19759551 (cited by 3 submitters); PubMed 28592523 (cited by Ambry Genetics and Labcorp Genetics (formerly Invitae), Labcorp); PubMed 28830827 (cited by Ambry Genetics); PubMed 8723678 (cited by Ambry Genetics); PubMed 9416844 (cited by Ambry Genetics); PubMed 9823374 (cited by Ambry Genetics); PubMed 19712690 (cited by Labcorp Genetics (formerly Invitae), Labcorp).